The following is an entry in ClinVar:

ClinVar aggregate classification (germline): Uncertain significance (1 of 4 stars; one submission).

Conditions:
Familial thoracic aortic aneurysm and aortic dissection (TAAD). Also called: Thoracic aortic aneurysms and dissections. Identifiers: Orphanet 91387, MedGen C4707243, MONDO:0019625.

gnomAD v4.1: 1 of 1,607,202 alleles (0.000062%); highest among the groups gnomAD compares: Admixed American, 0.0017%; no homozygotes.

Submission:

Ambry Genetics
Classification: Uncertain significance for Familial thoracic aortic aneurysm and aortic dissection. Last evaluated: 2024-06-30. Review status: criteria provided, single submitter. Criteria: Ambry Variant Classification Scheme 2023. Collection method: clinical testing. Allele origin: germline.
Comment: The p.G1513C variant (also known as c.4537G>T), located in coding exon 25 of the NOTCH1 gene, results from a G to T substitution at nucleotide position 4537. The glycine at codon 1513 is replaced by cysteine, an amino acid with highly dissimilar properties. This amino acid position is conserved. In addition, the in silico prediction for this alteration is inconclusive. Based on the available evidence, the clinical significance of this variant remains unclear.

NM_017617.5(NOTCH1):c.4537G>T (p.Gly1513Cys)

Gene: NOTCH1 (notch receptor 1; minus strand). Cytogenetic location: 9q34.3.
Variant type: single nucleotide variant.
Coding change: c.4537G>T on transcript NM_017617.5 (MANE Select); coding-DNA position 4537, G replaced by T.
Protein change: p.Gly1513Cys; replaces glycine 1513 with cysteine.
Molecular consequence: missense variant.
Genome position (GRCh38, 1-based): chr9:136,505,359, C>A on the plus strand (G>T on the coding strand, the complement: NOTCH1 is on the minus strand). VCF-style: chr9-136505359-C-A. GRCh37 (hg19) VCF-style: chr9-139399811-C-A.
Other names: short protein forms G1513C.
Identifiers: ClinVar variation 3406821 (VCV003406821.1).
Genomic context (GRCh38, chr9:136,505,359, plus strand): 5'-CGCAGCCTTACTTGCACTGGCCTTCCGCACGCTGGCAGTCAAAGCCGTCGAAGAGGCAGC[C>A]GGCTGAGTTGCACTGGCTGTCACAGTGGCCGTCACTGAAGTACTTCCAGCACTGCAGAGA-3'
Protein context (NP_060087.3, residues 1503-1523): GHCDSQCNSA[Gly1513Cys]CLFDGFDCQR